The following is an entry in ClinVar:

ClinVar aggregate classification (germline): Uncertain significance. Review status: criteria provided, single submitter (1 of 4 stars). 2 submissions from 2 submitters: Uncertain significance (1). 1 of the submissions does not count toward it. Last evaluated 2025-12-02.

Conditions:
Primary hyperoxaluria, type I (HP1). Also called: GLYCOLIC ACIDURIA; HEPATIC AGT DEFICIENCY; OXALOSIS I; Primary hyperoxaluria type 1. Identifiers: Orphanet 416, Orphanet 93598, MedGen C0268164, MONDO:0009823, OMIM 259900. Disease mechanism: loss of function.

Submissions (2):

Myriad Genetics, Inc.
Classification: Uncertain significance for Primary hyperoxaluria, type I. Last evaluated: 2025-12-02. Review status: criteria provided, single submitter. Criteria: Myriad Autosomal Dominant, Autosomal Recessive and X-Linked Classification Criteria (2023). Collection method: clinical testing. Allele origin: unknown.
Comment: NM_000030.2(AGXT):c.1045G>A(G349S) is a missense variant classified as a variant of uncertain significance in the context of primary hyperoxaluria type 1. G349S has been observed in a case with relevant disease (PMID: 25629080). Relevant functional assessments of this variant are not available in the literature. G349S has not been observed in referenced population frequency databases. In summary, there is insufficient evidence to classify NM_000030.2(AGXT):c.1045G>A(G349S) as pathogenic or benign. Please note: this variant was assessed in the context of healthy population screening.

Clinical Biochemistry Laboratory, Health Services Laboratory
Classification: Pathogenic for Primary hyperoxaluria, type I. Last evaluated: 2014-11-27. Review status: no assertion criteria provided. Collection method: in vivo. Allele origin: germline. Affected: yes. Not counted in ClinVar's aggregate classification.

Literature cited by the submitters: PubMed 25629080 (cited by Myriad Genetics, Inc.).

NM_000030.3(AGXT):c.1045G>A (p.Gly349Ser)

Gene: AGXT (alanine--glyoxylate aminotransferase; plus strand). Cytogenetic location: 2q37.3.
Variant type: single nucleotide variant.
Coding change: c.1045G>A on transcript NM_000030.3 (MANE Select); coding-DNA position 1045, G replaced by A.
Protein change: p.Gly349Ser; replaces glycine 349 with serine.
Molecular consequence: missense variant.
Genome position (GRCh38, 1-based): chr2:240,878,124, G>A. VCF-style: chr2-240878124-G-A. GRCh37 (hg19) VCF-style: chr2-241817541-G-A.
Other names: short protein forms G349S.
Identifiers: ClinVar variation 204145 (VCV000204145.3), dbSNP rs796052065, ClinGen allele CA275779.